The following is an entry in ClinVar:

ClinVar aggregate classification (germline): Pathogenic (1 of 4 stars; one submission).

Conditions:
Neurofibromatosis, type 1 (NF1). Also called: VON RECKLINGHAUSEN DISEASE; Peripheral type neurofibromatosis; NEUROFIBROMATOSIS, TYPE I, SOMATIC; Neurofibromatosis, type I. Identifiers: Orphanet 636, MedGen C0027831, MONDO:0018975, OMIM 162200. Disease mechanism: loss of function.

Submission:

Labcorp Genetics (formerly Invitae), Labcorp
Classification: Pathogenic for Neurofibromatosis, type 1. Last evaluated: 2025-12-21. Review status: criteria provided, single submitter. Criteria: Invitae Variant Classification Sherloc (09022015). Collection method: clinical testing. Allele origin: germline.
Comment: This sequence change creates a premature translational stop signal (p.Leu1361Asnfs*29) in the NF1 gene. It is expected to result in an absent or disrupted protein product. Loss-of-function variants in NF1 are known to be pathogenic (PMID: 10712197, 23913538). This variant is not present in population databases (gnomAD no frequency). This variant has not been reported in the literature in individuals affected with NF1-related conditions. For these reasons, this variant has been classified as Pathogenic.

Literature cited by the submitters: PubMed 10712197; PubMed 23913538.

NM_001042492.3(NF1):c.4060_4073dup (p.Leu1361fs)

Gene: NF1 (neurofibromin 1; plus strand). Cytogenetic location: 17q11.2.
Variant type: Duplication.
Coding change: c.4060_4073dup on transcript NM_001042492.3 (MANE Select); coding-DNA positions 4060 to 4073, 14 bases duplicated (TCCTCAGAATTCCC).
Protein change: p.Leu1361fs; shifts the reading frame from leucine 1361.
Molecular consequence: frameshift variant.
Genome position (GRCh38, 1-based): chr17:31,249,069-31,249,082, TCCTCAGAATTCCC duplicated; duplicating any 14 consecutive bases within chr17:31,249,067-31,249,082 gives the same sequence; the c. name uses the placement nearest the transcript's 3' end. VCF-style (leftmost placement, unchanged base first): chr17-31249066-T-TCCTCCTCAGAATTC. GRCh37 (hg19) VCF-style: chr17-29576084-T-TCCTCCTCAGAATTC.
Other names: c.4060_4073dup, p.Leu1361fs (NM_000267.4); short protein forms L1361fs.
Identifiers: ClinVar variation 4733783 (VCV004733783.1).
Genomic context (GRCh38, chr17:31,249,066, plus strand): 5'-GAGGAAAACCAGCGGAACCTCCTTCAGATGACTGAAAAGTTCTTCCATGCCATCATCAGT[T>TCCTCCTCAGAATTC]CCTCCTCAGAATTCCCCCCTCAACTTCGAAGTGTGTGCCACTGTTTATACCAGGTATGCT-3'